The following is an entry in ClinVar:

ClinVar aggregate classification (germline): Uncertain significance (1 of 4 stars; one submission).

Allele frequency attached by ClinVar (database versions not stated): gnomAD exomes below 0.00001.
gnomAD v4.1: 2 of 1,614,170 alleles (0.00012%); highest among the groups gnomAD compares: East Asian, 0.0022%; no homozygotes.

Submission:

Labcorp Genetics (formerly Invitae), Labcorp
Classification: Uncertain significance. Last evaluated: 2021-11-27. Review status: criteria provided, single submitter. Criteria: Invitae Variant Classification Sherloc (09022015). Collection method: clinical testing. Allele origin: germline.
Comment: This sequence change replaces alanine, which is neutral and non-polar, with valine, which is neutral and non-polar, at codon 44 of the CSGALNACT1 protein (p.Ala44Val). This variant is present in population databases (no rsID available, gnomAD 0.0009%). This variant has not been reported in the literature in individuals affected with CSGALNACT1-related conditions. Algorithms developed to predict the effect of missense changes on protein structure and function (SIFT, PolyPhen-2, Align-GVGD) all suggest that this variant is likely to be tolerated. Algorithms developed to predict the effect of sequence changes on RNA splicing suggest that this variant may create or strengthen a splice site. In summary, the available evidence is currently insufficient to determine the role of this variant in disease. Therefore, it has been classified as a Variant of Uncertain Significance.

NM_001354483.2(CSGALNACT1):c.131C>T (p.Ala44Val)

Gene: CSGALNACT1 (chondroitin sulfate N-acetylgalactosaminyltransferase 1; minus strand). Cytogenetic location: 8p21.3.
Variant type: single nucleotide variant.
Coding change: c.131C>T on transcript NM_001354483.2 (MANE Select); coding-DNA position 131, C replaced by T.
Protein change: p.Ala44Val; replaces alanine 44 with valine.
Molecular consequence: missense variant. On other transcripts: non-coding transcript variant (7).
Genome position (GRCh38, 1-based): chr8:19,505,704, G>A on the plus strand (C>T on the coding strand, the complement: CSGALNACT1 is on the minus strand). VCF-style: chr8-19505704-G-A. GRCh37 (hg19) VCF-style: chr8-19363215-G-A.
Other names: c.131C>T, p.Ala44Val (NM_001130518.2, NM_001354475.2, NM_001354476.2 and 18 more transcripts); short protein forms A44V.
Identifiers: ClinVar variation 1353918 (VCV001353918.3), dbSNP rs1344359200, ClinGen allele CA370462156.